The following is an entry in ClinVar:

ClinVar aggregate classification (germline): Likely benign. Review status: criteria provided, multiple submitters, no conflicts (2 of 4 stars). 3 submissions from 3 submitters: Likely benign (2). 1 of the submissions does not count toward it. Last evaluated 2024-11-26.

Conditions:
DNAH17-related disorder. Also called: DNAH17-related condition.

Allele frequency attached by ClinVar (database versions not stated): 1000 Genomes Project 30x 0.00109; TOPMed 0.00188; ESP Exome Variant Server 0.00192; gnomAD exomes 0.00335; 1000 Genomes Project 0.00100; gnomAD 0.00196; ExAC 0.00217.
gnomAD v4.1: 5,167 of 1,614,034 alleles (0.32%); highest among the groups gnomAD compares: Non-Finnish European, 0.4%; 13 homozygotes.

Submissions (3):

Blueprint Genetics
Classification: Likely benign. Last evaluated: 2024-11-26. Review status: criteria provided, single submitter. Criteria: ACMG Guidelines, 2015. Collection method: clinical testing. Allele origin: germline.

CeGaT Center for Human Genetics Tuebingen
Classification: Likely benign. Last evaluated: 2022-05-01. Review status: criteria provided, single submitter. Criteria: CeGaT Center For Human Genetics Tuebingen Variant Classification Criteria Version 2. Collection method: clinical testing. Allele origin: germline. Affected: yes. Observed: 1 variant allele.
Comment: DNAH17: BP4, BP7

PreventionGenetics, part of Exact Sciences
Classification: Likely benign for DNAH17-related condition. Last evaluated: 2019-04-25. Review status: no assertion criteria provided. Collection method: clinical testing. Allele origin: germline. Not counted in ClinVar's aggregate classification.
Comment: This variant is classified as likely benign based on ACMG/AMP sequence variant interpretation guidelines (Richards et al. 2015 PMID: 25741868, with internal and published modifications).

NM_173628.4(DNAH17):c.13296C>T (p.Arg4432=)

Genes: DNAH17 (dynein axonemal heavy chain 17; minus strand), PGS1 (phosphatidylglycerophosphate synthase 1; plus strand). Cytogenetic location: 17q25.3.
Variant type: single nucleotide variant.
Coding change: c.13296C>T on transcript NM_173628.4 (MANE Select); coding-DNA position 13296, C replaced by T.
Protein change: p.Arg4432=; no amino-acid change (arginine 4432 retained).
Molecular consequence: synonymous variant. On other transcripts: intron variant (1).
Genome position (GRCh38, 1-based): chr17:78,423,999, G>A on the plus strand (C>T on the coding strand, the complement: DNAH17 is on the minus strand). VCF-style: chr17-78423999-G-A. GRCh37 (hg19) VCF-style: chr17-76420080-G-A.
Other names: c.*11-62G>A (NM_024419.5).
Identifiers: ClinVar variation 2648342 (VCV002648342.26), dbSNP rs117340568, ClinGen allele CA8799560.
Genomic context (GRCh38, chr17:78,423,999, plus strand): 5'-GATCCACTTCGCTGCCTTCTCTTTGGTCTTCAAGTTAAAGGTCCAGACATAGGTGGGGCC[G>A]CGGATGCGTGTTTTGTACACGGGACACTCATAGATGTTCTTGGTCTCCATGCGGTCCACA-3'
Protein context (NP_775899.3, residues 4422-4442): YECPVYKTRI[Arg4432=]GPTYVWTFNL